The following is an entry in ClinVar:

NM_004453.4(ETFDH):c.1739A>G (p.Gln580Arg)

Gene: ETFDH (electron transfer flavoprotein dehydrogenase; plus strand). Cytogenetic location: 4q32.1.
Variant type: single nucleotide variant.
Coding change: c.1739A>G on transcript NM_004453.4 (MANE Select); coding-DNA position 1739, A replaced by G.
Protein change: p.Gln580Arg; replaces glutamine 580 with arginine.
Molecular consequence: missense variant.
Genome position (GRCh38, 1-based): chr4:158,708,412, A>G. VCF-style: chr4-158708412-A-G. GRCh37 (hg19) VCF-style: chr4-159629564-A-G.
Other names: c.1598A>G, p.Gln533Arg (NM_001281737.2); c.1556A>G, p.Gln519Arg (NM_001281738.1); short protein forms Q580R, Q519R, Q533R.
Identifiers: ClinVar variation 1511857 (VCV001511857.5), dbSNP rs749989069, ClinGen allele CA3122713.

ClinVar aggregate classification (germline): Uncertain significance (1 of 4 stars; one submission).

Conditions:
Multiple acyl-CoA dehydrogenase deficiency (MADD). Also called: ETHYLMALONIC-ADIPICACIDURIA; GA II; Glutaric acidemia type II; GA 2; Glutaric Acidemia type 2; Glutaric aciduria, type 2. Identifiers: Orphanet 26791, MedGen C0268596, MONDO:0009282, OMIM 231680.

Allele frequency attached by ClinVar (database versions not stated): gnomAD exomes below 0.00001; ExAC 0.00001.
gnomAD v4.1: 2 of 1,612,128 alleles (0.00012%); highest among the groups gnomAD compares: African/African-American, 0.0013%; no homozygotes.

Submission:

Labcorp Genetics (formerly Invitae), Labcorp
Classification: Uncertain significance for Multiple acyl-CoA dehydrogenase deficiency. Last evaluated: 2021-09-24. Review status: criteria provided, single submitter. Criteria: Invitae Variant Classification Sherloc (09022015). Collection method: clinical testing. Allele origin: germline.
Comment: This sequence change replaces glutamine with arginine at codon 580 of the ETFDH protein (p.Gln580Arg). The glutamine residue is highly conserved and there is a small physicochemical difference between glutamine and arginine. This variant is present in population databases (rs749989069, ExAC 0.001%). This variant has not been reported in the literature in individuals with ETFDH-related conditions. Advanced modeling of protein sequence and biophysical properties (such as structural, functional, and spatial information, amino acid conservation, physicochemical variation, residue mobility, and thermodynamic stability) performed at Invitae indicates that this missense variant is expected to disrupt ETFDH protein function. In summary, the available evidence is currently insufficient to determine the role of this variant in disease. Therefore, it has been classified as a Variant of Uncertain Significance.